The following is an entry in ClinVar:

NM_014679.5(CEP57):c.1399A>G (p.Lys467Glu)

Gene: CEP57 (centrosomal protein 57; plus strand). Cytogenetic location: 11q21.
Variant type: single nucleotide variant.
Coding change: c.1399A>G on transcript NM_014679.5 (MANE Select); coding-DNA position 1399, A replaced by G.
Protein change: p.Lys467Glu; replaces lysine 467 with glutamic acid.
Molecular consequence: missense variant.
Genome position (GRCh38, 1-based): chr11:95,831,152, A>G. VCF-style: chr11-95831152-A-G. GRCh37 (hg19) VCF-style: chr11-95564316-A-G.
Other names: c.1318A>G, p.Lys440Glu (NM_001363604.2, NM_001440869.1, NM_001440870.1); c.1291A>G, p.Lys431Glu (NM_001440871.1); c.1282A>G, p.Lys428Glu (NM_001440872.1); c.1219A>G, p.Lys407Glu (NM_001440873.1); c.1213A>G, p.Lys405Glu (NM_001440874.1); c.1210A>G, p.Lys404Glu (NM_001440875.1); c.1204A>G, p.Lys402Glu (NM_001440876.1); c.1201A>G, p.Lys401Glu (NM_001440877.1, NM_001440878.1); and 6 more; short protein forms K366E, K428E, K440E, K458E, K467E, K380E, K392E, K402E.
Identifiers: ClinVar variation 5034387 (VCV005034387.1).

ClinVar aggregate classification (germline): Uncertain significance (1 of 4 stars; one submission).

Conditions:
Inborn genetic diseases. Identifiers: MedGen C0950123, MeSH D030342.

Submission:

Ambry Genetics
Classification: Uncertain significance for Inborn genetic diseases. Last evaluated: 2026-08-23. Review status: criteria provided, single submitter. Criteria: Ambry Variant Classification Scheme 2023. Collection method: clinical testing. Allele origin: germline.
Comment: The p.K467E variant (also known as c.1399A>G), located in coding exon 11 of the CEP57 gene, results from an A to G substitution at nucleotide position 1399. The lysine at codon 467 is replaced by glutamic acid, an amino acid with similar properties. This amino acid position is conserved. In addition, this alteration is predicted to be tolerated by in silico analysis. Based on the available evidence, the clinical significance of this variant remains unclear.